The following is an entry in ClinVar:

NM_001849.4(COL6A2):c.694A>G (p.Asn232Asp)

Gene: COL6A2 (collagen type VI alpha 2 chain; plus strand). Cytogenetic location: 21q22.3.
Variant type: single nucleotide variant.
Coding change: c.694A>G on transcript NM_001849.4 (MANE Select); coding-DNA position 694, A replaced by G.
Protein change: p.Asn232Asp; replaces asparagine 232 with aspartic acid.
Molecular consequence: missense variant.
Genome position (GRCh38, 1-based): chr21:46,112,557, A>G. VCF-style: chr21-46112557-A-G. GRCh37 (hg19) VCF-style: chr21-47532471-A-G.
Other names: c.694A>G, p.Asn232Asp (NM_058174.3, NM_058175.3); short protein forms N232D.
Identifiers: ClinVar variation 951037 (VCV000951037.13), dbSNP rs779287707, ClinGen allele CA10071376.
Genomic context (GRCh38, chr21:46,112,557, plus strand): 5'-TACCGCAACGACTACGCCACCATGCTGCCCGACTCCACCGAGATCGACCAGGACACCATC[A>G]ACCGCATCATCAAGGTCATGGTGAGCCGCGGGCGGGAGCACCGTCCACGCGCCAGGGGTG-3'
Protein context (NP_001840.3, residues 222-242): DSTEIDQDTI[Asn232Asp]RIIKVMKHEA

ClinVar aggregate classification (germline): Uncertain significance. Review status: criteria provided, multiple submitters, no conflicts (2 of 4 stars). 3 submissions from 3 submitters: Uncertain significance (3). Last evaluated 2025-11-16.

Conditions:
Inborn genetic diseases. Identifiers: MedGen C0950123, MeSH D030342.
Bethlem myopathy 1A. Also called: Bethlem Muscular Dystrophy; Bethlem myopathy 1; MYOPATHY, BENIGN CONGENITAL, WITH CONTRACTURES. Identifiers: Orphanet 610, MedGen CN029274, MONDO:0024530, OMIM 158810.

Allele frequency attached by ClinVar (database versions not stated): gnomAD 0.00001; gnomAD exomes 0.00002 and 0.00009; ExAC 0.00003; TOPMed 0.00004.
gnomAD v4.1: 132 of 1,611,912 alleles (0.0082%); highest among the groups gnomAD compares: Non-Finnish European, 0.011%; no homozygotes.

Submissions (3):

Labcorp Genetics (formerly Invitae), Labcorp
Classification: Uncertain significance for Bethlem myopathy 1A. Last evaluated: 2025-11-16. Review status: criteria provided, single submitter. Criteria: Invitae Variant Classification Sherloc (09022015). Collection method: clinical testing. Allele origin: germline.
Comment: This sequence change replaces asparagine, which is neutral and polar, with aspartic acid, which is acidic and polar, at codon 232 of the COL6A2 protein (p.Asn232Asp). This variant is present in population databases (rs779287707, gnomAD 0.007%). This variant has not been reported in the literature in individuals affected with COL6A2-related conditions. ClinVar contains an entry for this variant (Variation ID: 951037). Invitae Evidence Modeling of protein sequence and biophysical properties (such as structural, functional, and spatial information, amino acid conservation, physicochemical variation, residue mobility, and thermodynamic stability) indicates that this missense variant is not expected to disrupt COL6A2 protein function with a negative predictive value of 80%. In summary, the available evidence is currently insufficient to determine the role of this variant in disease. Therefore, it has been classified as a Variant of Uncertain Significance.

Revvity Omics, Revvity
Classification: Uncertain significance. Last evaluated: 2023-08-28. Review status: criteria provided, single submitter. Criteria: ACMG Guidelines, 2015. Collection method: clinical testing. Allele origin: germline.

Ambry Genetics
Classification: Uncertain significance for Inborn genetic diseases. Last evaluated: 2021-08-09. Review status: criteria provided, single submitter. Criteria: Ambry Variant Classification Scheme 2023. Collection method: clinical testing. Allele origin: germline.